The following is an entry in ClinVar:

ClinVar aggregate classification (germline): not provided (0 of 4 stars; one submission).

Conditions:
Familial long QT syndrome (RWS). Also called: Congenital long QT syndrome; Romano-Ward syndrome; VENTRICULAR FIBRILLATION WITH PROLONGED QT INTERVAL. Identifiers: Orphanet 768, MedGen C1141890, MONDO:0019171.

Submission:

Cardiovascular Biomedical Research Unit, Royal Brompton & Harefield NHS Foundation Trust
No classification provided. Condition: Familial long QT syndrome. Review status: no classification provided. Collection method: literature only. Allele origin: germline.
Comment: This variant has been reported as associated with Long QT syndrome in the following publications (PMID:20541041). This is a literature report, and does not necessarily reflect the clinical interpretation of the Imperial College / Royal Brompton Cardiovascular Genetics laboratory.

Literature cited by the submitters: PubMed 20541041; PubMed 22581653.

NM_000238.4(KCNH2):c.80G>C (p.Arg27Pro)

Gene: KCNH2 (potassium voltage-gated channel subfamily H member 2; minus strand). Cytogenetic location: 7q36.1.
Variant type: single nucleotide variant.
Coding change: c.80G>C on transcript NM_000238.4 (MANE Select); coding-DNA position 80, G replaced by C.
Protein change: p.Arg27Pro; replaces arginine 27 with proline.
Molecular consequence: missense variant.
Genome position (GRCh38, 1-based): chr7:150,974,938, C>G on the plus strand (G>C on the coding strand, the complement: KCNH2 is on the minus strand). VCF-style: chr7-150974938-C-G. GRCh37 (hg19) VCF-style: chr7-150672026-C-G.
Other names: c.80G>C (LRG_288t1); c.-98G>C (NM_001406755.1); c.80G>C, p.Arg27Pro (NM_172056.3); short protein forms R27P.
Identifiers: ClinVar variation 67530 (VCV000067530.3), dbSNP rs199472828, ClinGen allele CA008838.